The following is an entry in ClinVar:

NM_000548.5(TSC2):c.1716+4G>C

Gene: TSC2 (TSC complex subunit 2; plus strand). Cytogenetic location: 16p13.3.
Variant type: single nucleotide variant.
Coding change: c.1716+4G>C on transcript NM_000548.5 (MANE Select); 4 bases into the intron after coding-DNA position 1716, G replaced by C.
Molecular consequence: intron variant.
Genome position (GRCh38, 1-based): chr16:2,065,639, G>C. VCF-style: chr16-2065639-G-C. GRCh37 (hg19) VCF-style: chr16-2115640-G-C.
Other names: c.372+4G>C (NM_001406693.1, NM_001406689.1, NM_001406690.1 and 6 more transcripts); c.1806+4G>C (NM_001406667.1, NM_001406668.1); c.1116+4G>C (NM_001406680.1, NM_001406683.1, NM_001406687.1 and 6 more transcripts); c.114+4G>C (NM_001406698.1); c.1716+4G>C (NM_001114382.3, NM_001406663.1, NM_001406664.1 and 6 more transcripts); c.1704+4G>C (NM_001406671.1, NM_001406673.1); c.1254+4G>C (NM_001406681.1); c.1605+4G>C (NM_001406670.1, NM_001318827.2, NM_001406678.1); and 3 more.
Identifiers: ClinVar variation 2836914 (VCV002836914.3), dbSNP rs2151211033, ClinGen allele CA2739269895.
Genomic context (GRCh38, chr16:2,065,639, plus strand): 5'-TCGGCCTCCTTGGAGGATGTGAAGACAGCCGTCCTGGGGCTTCTGGTCATCCTTCAGGTG[G>C]GTGTTCTGCACGAGGCCTCTGCTCCCGGGGCGCGCATGGCTAGCGTCCACCAGCTGCATC-3'

ClinVar aggregate classification (germline): Uncertain significance (1 of 4 stars; one submission).

Conditions:
Tuberous sclerosis 2 (TSC2). Identifiers: Orphanet 805, MedGen C1860707, MONDO:0013199, OMIM 613254.

Submission:

Labcorp Genetics (formerly Invitae), Labcorp
Classification: Uncertain significance for Tuberous sclerosis 2. Last evaluated: 2023-02-14. Review status: criteria provided, single submitter. Criteria: Invitae Variant Classification Sherloc (09022015). Collection method: clinical testing. Allele origin: germline.
Comment: This sequence change falls in intron 16 of the TSC2 gene. It does not directly change the encoded amino acid sequence of the TSC2 protein. It affects a nucleotide within the consensus splice site. This variant is not present in population databases (gnomAD no frequency). This variant has not been reported in the literature in individuals affected with TSC2-related conditions. Variants that disrupt the consensus splice site are a relatively common cause of aberrant splicing (PMID: 17576681, 9536098). Algorithms developed to predict the effect of sequence changes on RNA splicing suggest that this variant is not likely to affect RNA splicing. In summary, the available evidence is currently insufficient to determine the role of this variant in disease. Therefore, it has been classified as a Variant of Uncertain Significance.

Literature cited by the submitters: PubMed 17576681; PubMed 9536098.